The following is an entry in ClinVar:

ClinVar aggregate classification (germline): Likely benign (1 of 4 stars; one submission).

Conditions:
Arrhythmogenic cardiomyopathy with wooly hair and keratoderma. Also called: PALMOPLANTAR KERATODERMA WITH LEFT VENTRICULAR CARDIOMYOPATHY AND WOOLLY HAIR; Carvajal syndrome; Dilated cardiomyopathy with woolly hair and keratoderma; Arrhythmogenic cardiomyopathy with woolly hair and keratoderma. Identifiers: Orphanet 65282, MedGen C1854063, MONDO:0011581, OMIM 605676.

Allele frequency attached by ClinVar (database versions not stated): gnomAD exomes below 0.00001.
gnomAD v4.1: 4 of 1,614,110 alleles (0.00025%); highest among the groups gnomAD compares: African/African-American, 0.0013%; no homozygotes.

Submission:

All of Us Research Program, National Institutes of Health
Classification: Likely benign for Arrhythmogenic cardiomyopathy with wooly hair and keratoderma. Last evaluated: 2023-08-15. Review status: criteria provided, single submitter. Criteria: ACMG Guidelines, 2015. Collection method: clinical testing. Allele origin: germline. Inheritance: Autosomal dominant inheritance. Observed: 2 variant alleles, 2 heterozygotes.
Comment: This study involves interpretation of variants in research participants for the purpose of population health screening. Participant phenotype was not available at the time of variant classification. Additional details can be found in publication PMID: 35346344, PMCID: PMC8962531

NM_004415.4(DSP):c.5007C>T (p.Leu1669=)

Gene: DSP (desmoplakin; plus strand). Cytogenetic location: 6p24.3.
Variant type: single nucleotide variant.
Coding change: c.5007C>T on transcript NM_004415.4 (MANE Select); coding-DNA position 5007, C replaced by T.
Protein change: p.Leu1669=; no amino-acid change (leucine 1669 retained).
Molecular consequence: synonymous variant. On other transcripts: intron variant (2).
Genome position (GRCh38, 1-based): chr6:7,581,197, C>T. VCF-style: chr6-7581197-C-T. GRCh37 (hg19) VCF-style: chr6-7581430-C-T.
Other names: c.4050+957C>T (NM_001319034.2); c.3582+1425C>T (NM_001008844.3).
Identifiers: ClinVar variation 3070895 (VCV003070895.1), dbSNP rs761783422, ClinGen allele CA448715003.
Genomic context (GRCh38, chr6:7,581,197, plus strand): 5'-GACCCAGGAAGAGCTGAGGAGGCTCTCTTCTGAGGTCGAGGCCCTGAGGCGGCAGTTACT[C>T]CAGGAACAGGAAAGTGTCAAACAAGCTCACTTGAGGAATGAGCATTTCCAGAAGGCGATA-3'
Protein context (NP_004406.2, residues 1659-1679): SEVEALRRQL[Leu1669=]QEQESVKQAH